The following is an entry in ClinVar:

ClinVar aggregate classification (germline): Uncertain significance. Review status: criteria provided, multiple submitters, no conflicts (2 of 4 stars). 2 submissions from 2 submitters: Uncertain significance (2). Last evaluated 2024-05-12.

Conditions:
Familial thoracic aortic aneurysm and aortic dissection (TAAD). Also called: Thoracic aortic aneurysms and dissections. Identifiers: Orphanet 91387, MedGen C4707243, MONDO:0019625.

Submissions (2):

Labcorp Genetics (formerly Invitae), Labcorp
Classification: Uncertain significance for Familial thoracic aortic aneurysm and aortic dissection. Last evaluated: 2024-05-12. Review status: criteria provided, single submitter. Criteria: Invitae Variant Classification Sherloc (09022015). Collection method: clinical testing. Allele origin: germline.
Comment: This sequence change replaces alanine, which is neutral and non-polar, with proline, which is neutral and non-polar, at codon 256 of the TGFBR2 protein (p.Ala256Pro). This variant is not present in population databases (gnomAD no frequency). This variant has not been reported in the literature in individuals affected with TGFBR2-related conditions. ClinVar contains an entry for this variant (Variation ID: 2004615). Advanced modeling of protein sequence and biophysical properties (such as structural, functional, and spatial information, amino acid conservation, physicochemical variation, residue mobility, and thermodynamic stability) performed at Invitae indicates that this missense variant is expected to disrupt TGFBR2 protein function with a positive predictive value of 95%. In summary, the available evidence is currently insufficient to determine the role of this variant in disease. Therefore, it has been classified as a Variant of Uncertain Significance.

Ambry Genetics
Classification: Uncertain significance for Familial thoracic aortic aneurysm and aortic dissection. Last evaluated: 2023-04-11. Review status: criteria provided, single submitter. Criteria: Ambry Variant Classification Scheme 2023. Collection method: clinical testing. Allele origin: germline.
Comment: The p.A256P variant (also known as c.766G>C), located in coding exon 4 of the TGFBR2 gene, results from a G to C substitution at nucleotide position 766. The alanine at codon 256 is replaced by proline, an amino acid with highly similar properties. This amino acid position is conserved. In addition, this alteration is predicted to be deleterious by in silico analysis. Since supporting evidence is limited at this time, the clinical significance of this alteration remains unclear.

NM_003242.6(TGFBR2):c.766G>C (p.Ala256Pro)

Gene: TGFBR2 (transforming growth factor beta receptor 2; plus strand). Cytogenetic location: 3p24.1.
Variant type: single nucleotide variant.
Coding change: c.766G>C on transcript NM_003242.6 (MANE Select); coding-DNA position 766, G replaced by C.
Protein change: p.Ala256Pro; replaces alanine 256 with proline.
Molecular consequence: missense variant.
Genome position (GRCh38, 1-based): chr3:30,671,949, G>C. VCF-style: chr3-30671949-G-C. GRCh37 (hg19) VCF-style: chr3-30713441-G-C.
Other names: c.841G>C, p.Ala281Pro (NM_001024847.3); c.949G>C, p.Ala317Pro (NM_001407126.1); c.874G>C, p.Ala292Pro (NM_001407127.1); c.793G>C, p.Ala265Pro (NM_001407128.1); c.769G>C, p.Ala257Pro (NM_001407129.1); c.766G>C, p.Ala256Pro (NM_001407130.1); c.661G>C, p.Ala221Pro (NM_001407132.1, NM_001407133.1, NM_001407134.1 and 2 more transcripts); c.481G>C, p.Ala161Pro (NM_001407137.1); and 2 more; short protein forms A221P, A292P, A317P, A136P, A256P, A257P, A161P, A265P.
Identifiers: ClinVar variation 2004615 (VCV002004615.6), dbSNP rs2125434265, ClinGen allele CA351807821.
Genomic context (GRCh38, chr3:30,671,949, plus strand): 5'-AACCACAACACAGAGCTGCTGCCCATTGAGCTGGACACCCTGGTGGGGAAAGGTCGCTTT[G>C]CTGAGGTCTATAAGGCCAAGCTGAAGCAGAACACTTCAGAGCAGTTTGAGACAGTGGCAG-3'
Protein context (NP_003233.4, residues 246-266): LDTLVGKGRF[Ala256Pro]EVYKAKLKQN